The following is an entry in ClinVar:

ClinVar aggregate classification (germline): Uncertain significance (1 of 4 stars; one submission).

Allele frequency attached by ClinVar (database versions not stated): gnomAD exomes below 0.00001; gnomAD 0.00001; ExAC 0.00004.

Submission:

Labcorp Genetics (formerly Invitae), Labcorp
Classification: Uncertain significance. Last evaluated: 2020-11-24. Review status: criteria provided, single submitter. Criteria: Invitae Variant Classification Sherloc (09022015). Collection method: clinical testing. Allele origin: germline.
Comment: Experimental studies and prediction algorithms are not available or were not evaluated, and the functional significance of this variant is currently unknown. In summary, the available evidence is currently insufficient to determine the role of this variant in disease. Therefore, it has been classified as a Variant of Uncertain Significance. This variant has not been reported in the literature in individuals with TOP2B-related conditions. This variant is present in population databases (rs758130345, ExAC 0.03%). This variant, c.4147_4149del, results in the deletion of 1 amino acid(s) of the TOP2B protein (p.Asp1383del), but otherwise preserves the integrity of the reading frame.

NM_001330700.2(TOP2B):c.4162_4164del (p.Asp1388del)

Gene: TOP2B (DNA topoisomerase II beta; minus strand). Cytogenetic location: 3p24.2.
Variant type: Deletion.
Coding change: c.4162_4164del on transcript NM_001330700.2 (MANE Select); coding-DNA positions 4162 to 4164, 3 bases deleted (GAC; older notation c.4162_4164delGAC).
Protein change: p.Asp1388del; deletes aspartic acid 1388.
Molecular consequence: inframe deletion.
Genome position (GRCh38, 1-based): chr3:25,607,305-25,607,307, GTC deleted on the plus strand (GAC on the coding strand, the reverse complement: TOP2B is on the minus strand). VCF-style (leftmost placement, unchanged base first): chr3-25607304-TGTC-T. GRCh37 (hg19) VCF-style: chr3-25648795-TGTC-T.
Other names: c.4147_4149del, p.Asp1383del (NM_001068.3); short protein forms D1383del, D1388del.
Identifiers: ClinVar variation 1502863 (VCV001502863.8), dbSNP rs758130345, ClinGen allele CA2288149.